The following is an entry in ClinVar:

NM_016616.5(NME8):c.455-2A>G

Gene: NME8 (NME/NM23 family member 8; plus strand). Cytogenetic location: 7p14.1.
Variant type: single nucleotide variant.
Coding change: c.455-2A>G on transcript NM_016616.5 (MANE Select); the canonical splice acceptor site of the intron before coding-DNA position 455, A replaced by G.
Molecular consequence: splice acceptor variant.
Genome position (GRCh38, 1-based): chr7:37,864,346, A>G. VCF-style: chr7-37864346-A-G. GRCh37 (hg19) VCF-style: chr7-37903948-A-G.
Identifiers: ClinVar variation 2706233 (VCV002706233.3), dbSNP rs1784642596, ClinGen allele CA367221620.
Genomic context (GRCh38, chr7:37,864,346, plus strand): 5'-TTCATTATCCAGACTTCGTGCCAAGAAAATGAAATTCTGTCTTTTTCTAAATTTTTTTCC[A>G]GAGGAATTATACAGTATTGCTATTATCAAACCGGATGCTGTGATTAGTAAAAAAGTTCTA-3'

ClinVar aggregate classification (germline): Uncertain significance (1 of 4 stars; one submission).

Conditions:
Primary ciliary dyskinesia 6. Also called: Primary Ciliary Dyskinesia 6: TXNDC3-Related Primary Ciliary Dyskinesia. Identifiers: Orphanet 244, MedGen C1970506, MONDO:0012571, OMIM 610852.

Allele frequency attached by ClinVar (database versions not stated): gnomAD exomes below 0.00001.
gnomAD v4.1: 2 of 1,594,282 alleles (0.00013%); highest among the groups gnomAD compares: Middle Eastern, 0.017%; no homozygotes.

Submission:

Labcorp Genetics (formerly Invitae), Labcorp
Classification: Uncertain significance for Primary ciliary dyskinesia 6. Last evaluated: 2023-10-09. Review status: criteria provided, single submitter. Criteria: Invitae Variant Classification Sherloc (09022015). Collection method: clinical testing. Allele origin: germline.
Comment: This sequence change affects an acceptor splice site in intron 8 of the NME8 gene. It is expected to disrupt RNA splicing. Variants that disrupt the donor or acceptor splice site typically lead to a loss of protein function (PMID: 16199547), however the current clinical and genetic evidence is not sufficient to establish whether loss-of-function variants in NME8 cause disease. This variant is not present in population databases (gnomAD no frequency). This variant has not been reported in the literature in individuals affected with NME8-related conditions. Algorithms developed to predict the effect of sequence changes on RNA splicing suggest that this variant may disrupt the consensus splice site. In summary, the available evidence is currently insufficient to determine the role of this variant in disease. Therefore, it has been classified as a Variant of Uncertain Significance.

Literature cited by the submitters: PubMed 16199547.